The following is an entry in ClinVar:

NM_139318.5(KCNH5):c.305-3C>T

Gene: KCNH5 (potassium voltage-gated channel subfamily H member 5; minus strand). Cytogenetic location: 14q23.2.
Variant type: single nucleotide variant.
Coding change: c.305-3C>T on transcript NM_139318.5 (MANE Select); 3 bases into the intron before coding-DNA position 305, C replaced by T.
Molecular consequence: intron variant.
Genome position (GRCh38, 1-based): chr14:63,001,462, G>A on the plus strand (C>T on the coding strand, the complement: KCNH5 is on the minus strand). VCF-style: chr14-63001462-G-A. GRCh37 (hg19) VCF-style: chr14-63468180-G-A.
Other names: c.305-3C>T (NM_172375.3).
Identifiers: ClinVar variation 956491 (VCV000956491.10), dbSNP rs1249146991, ClinGen allele CA614667406.

ClinVar aggregate classification (germline): Uncertain significance (1 of 4 stars; one submission).

Conditions:
Early-infantile DEE. Also called: Early infantile epileptic encephalopathy; Ohtahara syndrome; Early infantile epileptic encephalopathy with suppression bursts. Identifiers: Orphanet 1934, MedGen C0393706, MONDO:0800491.

Allele frequency attached by ClinVar (database versions not stated): TOPMed below 0.00001; gnomAD exomes 0.00001.
gnomAD v4.1: 8 of 1,607,710 alleles (0.0005%); highest among the groups gnomAD compares: Admixed American, 0.0017%; no homozygotes.

Submission:

Labcorp Genetics (formerly Invitae), Labcorp
Classification: Uncertain significance for Early-infantile DEE. Last evaluated: 2025-02-24. Review status: criteria provided, single submitter. Criteria: Invitae Variant Classification Sherloc (09022015). Collection method: clinical testing. Allele origin: germline.
Comment: This sequence change falls in intron 3 of the KCNH5 gene. It does not directly change the encoded amino acid sequence of the KCNH5 protein. It affects a nucleotide within the consensus splice site. This variant is present in population databases (no rsID available, gnomAD 0.007%). This variant has not been reported in the literature in individuals affected with KCNH5-related conditions. ClinVar contains an entry for this variant (Variation ID: 956491). Variants that disrupt the consensus splice site are a relatively common cause of aberrant splicing (PMID: 17576681, 9536098). Algorithms developed to predict the effect of sequence changes on RNA splicing suggest that this variant is not likely to affect RNA splicing. In summary, the available evidence is currently insufficient to determine the role of this variant in disease. Therefore, it has been classified as a Variant of Uncertain Significance.

Literature cited by the submitters: PubMed 17576681; PubMed 9536098.